The following is an entry in ClinVar:

NM_000363.5(TNNI3):c.384G>A (p.Leu128=)

Gene: TNNI3 (troponin I3, cardiac type; minus strand). Cytogenetic location: 19q13.42.
Variant type: single nucleotide variant.
Coding change: c.384G>A on transcript NM_000363.5 (MANE Select); coding-DNA position 384, G replaced by A.
Protein change: p.Leu128=; no amino-acid change (leucine 128 retained).
Molecular consequence: synonymous variant.
Genome position (GRCh38, 1-based): chr19:55,154,195, C>T on the plus strand (G>A on the coding strand, the complement: TNNI3 is on the minus strand). VCF-style: chr19-55154195-C-T. GRCh37 (hg19) VCF-style: chr19-55665563-C-T.
Identifiers: ClinVar variation 43379 (VCV000043379.37), dbSNP rs373130533, ClinGen allele CA021596.
Genomic context (GRCh38, chr19:55,154,195, plus strand): 5'-CCTCACTCTCCGCAGGGTGGGCCGCTTAAACTTGCCTCGAAGGTCAAAGATCTTCTGAGT[C>T]AGATCTGCAATCTGGGGGCACACGAGGGGGTGGGTACTTCTCCTTCCATTTCCCGCACAC-3'
Protein context (NP_000354.4, residues 118-138): VTKNITEIAD[Leu128=]TQKIFDLRGK

ClinVar aggregate classification (germline): Likely benign. Review status: criteria provided, multiple submitters, no conflicts (2 of 4 stars). 7 submissions from 7 submitters: Likely benign (7). Last evaluated 2025-11-21.

Conditions:
Cardiovascular phenotype. Identifiers: MedGen CN230736.
Cardiomyopathy (CMYO). Also called: Cardiomyopathies. Identifiers: Orphanet 167848, MedGen C0878544, MONDO:0004994, HP:0001638. Inheritance: Various modes of inheritance.
Hypertrophic cardiomyopathy. Also called: HYPERTROPHIC MYOCARDIOPATHY. Identifiers: Orphanet 217569, MedGen C0007194, MeSH D002312, MONDO:0005045, HP:0001639.

Allele frequency attached by ClinVar (database versions not stated): gnomAD 0.00001; TOPMed 0.00002; ESP Exome Variant Server 0.00008.
gnomAD v4.1: 22 of 1,612,234 alleles (0.0014%); highest among the groups gnomAD compares: Middle Eastern, 0.016%; no homozygotes.

Submissions (7):

Labcorp Genetics (formerly Invitae), Labcorp
Classification: Likely benign for Hypertrophic cardiomyopathy. Last evaluated: 2025-11-21. Review status: criteria provided, single submitter. Criteria: Invitae Variant Classification Sherloc (09022015). Collection method: clinical testing. Allele origin: germline.

Ambry Genetics
Classification: Likely benign for Cardiovascular phenotype. Last evaluated: 2025-05-19. Review status: criteria provided, single submitter. Criteria: Ambry Variant Classification Scheme 2023. Collection method: clinical testing. Allele origin: germline.

All of Us Research Program, National Institutes of Health
Classification: Likely benign for Hypertrophic cardiomyopathy. Last evaluated: 2023-12-13. Review status: criteria provided, single submitter. Criteria: ACMG Guidelines, 2015. Collection method: clinical testing. Allele origin: germline. Inheritance: Autosomal dominant inheritance. Observed: 7 variant alleles, 7 heterozygotes.
Comment: This study involves interpretation of variants in research participants for the purpose of population health screening. Participant phenotype was not available at the time of variant classification. Additional details can be found in publication PMID: 35346344, PMCID: PMC8962531

CHEO Genetics Diagnostic Laboratory, Children's Hospital of Eastern Ontario
Classification: Likely benign for Cardiomyopathy. Last evaluated: 2022-04-04. Review status: criteria provided, single submitter. Criteria: ACMG Guidelines, 2015. Collection method: clinical testing. Allele origin: germline. Study: Canadian Open Genetics Repository.

Color Diagnostics, LLC DBA Color Health
Classification: Likely benign for Cardiomyopathy. Last evaluated: 2019-12-09. Review status: criteria provided, single submitter. Criteria: ACMG Guidelines, 2015. Collection method: clinical testing. Allele origin: germline.

GeneDx
Classification: Likely benign. Last evaluated: 2018-09-12. Review status: criteria provided, single submitter. Criteria: GeneDx Variant Classification Process June 2021. Collection method: clinical testing. Allele origin: germline. Affected: yes.
Comment: This variant is associated with the following publications: (PMID: 20474083)

Laboratory for Molecular Medicine, Mass General Brigham Personalized Medicine
Classification: Likely benign. Last evaluated: 2010-05-03. Review status: criteria provided, single submitter. Criteria: LMM Criteria. Collection method: clinical testing. Allele origin: germline. Observed: 2 variant alleles.
Comment: The Leu128Leu variant is not expected to have clinical significance because it d oes not alter an amino acid residue and is not located near a splice junction. H owever, on rare occasions, base changes that do not result in amino acid changes can be associated with disease.

Literature cited by the submitters: PubMed 25611685 (cited by Ambry Genetics).